The following is an entry in ClinVar:

ClinVar aggregate classification (germline): Uncertain significance. Review status: criteria provided, multiple submitters, no conflicts (2 of 4 stars). 5 submissions from 5 submitters: Uncertain significance (5). Last evaluated 2025-12-14.

Conditions:
Cardiovascular phenotype. Identifiers: MedGen CN230736.
Arrhythmogenic cardiomyopathy with wooly hair and keratoderma. Also called: PALMOPLANTAR KERATODERMA WITH LEFT VENTRICULAR CARDIOMYOPATHY AND WOOLLY HAIR; Carvajal syndrome; Dilated cardiomyopathy with woolly hair and keratoderma; Arrhythmogenic cardiomyopathy with woolly hair and keratoderma. Identifiers: Orphanet 65282, MedGen C1854063, MONDO:0011581, OMIM 605676.
Arrhythmogenic right ventricular dysplasia 8 (ARVD8). Also called: Arrhythmogenic Right Ventricular Dysplasia/Cardiomyopathy 8; ARRHYTHMOGENIC RIGHT VENTRICULAR DYSPLASIA, FAMILIAL, 8; ARRHYTHMOGENIC RIGHT VENTRICULAR CARDIOMYOPATHY 8. Identifiers: MedGen C1843896, MONDO:0011831, OMIM 607450.
Cardiomyopathy (CMYO). Also called: Cardiomyopathies. Identifiers: Orphanet 167848, MedGen C0878544, MONDO:0004994, HP:0001638. Inheritance: Various modes of inheritance.

Allele frequency attached by ClinVar (database versions not stated): gnomAD exomes below 0.00001.
gnomAD v4.1: 1 of 1,614,206 alleles (0.000062%); highest among the groups gnomAD compares: Non-Finnish European, 0.000085%; no homozygotes.

Submissions (5):

Labcorp Genetics (formerly Invitae), Labcorp
Classification: Uncertain significance for Arrhythmogenic cardiomyopathy with wooly hair and keratoderma; Arrhythmogenic right ventricular dysplasia 8. Last evaluated: 2025-12-14. Review status: criteria provided, single submitter. Criteria: Invitae Variant Classification Sherloc (09022015). Collection method: clinical testing. Allele origin: germline.
Comment: This sequence change replaces lysine, which is basic and polar, with asparagine, which is neutral and polar, at codon 2393 of the DSP protein (p.Lys2393Asn). This variant is not present in population databases (gnomAD no frequency). This variant has not been reported in the literature in individuals affected with DSP-related conditions. ClinVar contains an entry for this variant (Variation ID: 919935). An algorithm developed to predict the effect of missense changes on protein structure and function (PolyPhen-2) suggests that this variant is likely to be disruptive. In summary, the available evidence is currently insufficient to determine the role of this variant in disease. Therefore, it has been classified as a Variant of Uncertain Significance.

Ambry Genetics
Classification: Uncertain significance for Cardiovascular phenotype. Last evaluated: 2025-01-31. Review status: criteria provided, single submitter. Criteria: Ambry Variant Classification Scheme 2023. Collection method: clinical testing. Allele origin: germline.
Comment: The p.K2393N variant (also known as c.7179G>T), located in coding exon 24 of the DSP gene, results from a G to T substitution at nucleotide position 7179. The lysine at codon 2393 is replaced by asparagine, an amino acid with similar properties. This amino acid position is conserved. In addition, this alteration is predicted to be tolerated by in silico analysis. Based on the available evidence, the clinical significance of this variant remains unclear.

Color Diagnostics, LLC DBA Color Health
Classification: Uncertain significance for Cardiomyopathy. Last evaluated: 2024-03-06. Review status: criteria provided, single submitter. Criteria: ACMG Guidelines, 2015. Collection method: clinical testing. Allele origin: germline.
Comment: This missense variant replaces lysine with asparagine at codon 2393 of the DSP protein. Computational prediction suggests that this variant may not impact protein structure and function (internally defined REVEL score threshold <= 0.5, PMID: 27666373). To our knowledge, functional studies have not been reported for this variant. This variant has not been reported in individuals affected with DSP-related disorders in the literature. This variant has not been identified in the general population by the Genome Aggregation Database (gnomAD). The available evidence is insufficient to determine the role of this variant in disease conclusively. Therefore, this variant is classified as a Variant of Uncertain Significance.

All of Us Research Program, National Institutes of Health
Classification: Uncertain significance for Arrhythmogenic cardiomyopathy with wooly hair and keratoderma. Last evaluated: 2023-11-30. Review status: criteria provided, single submitter. Criteria: ACMG Guidelines, 2015. Collection method: clinical testing. Allele origin: germline. Inheritance: Autosomal dominant inheritance. Observed: 3 variant alleles, 3 heterozygotes.
Comment: This missense variant replaces lysine with asparagine at codon 2393 of the DSP protein. Computational prediction suggests that this variant may not impact protein structure and function (internally defined REVEL score threshold <= 0.5, PMID: 27666373). To our knowledge, functional studies have not been reported for this variant. This variant has not been reported in individuals affected with DSP-related disorders in the literature. This variant has not been identified in the general population by the Genome Aggregation Database (gnomAD). The available evidence is insufficient to determine the role of this variant in disease conclusively. Therefore, this variant is classified as a Variant of Uncertain Significance.

This study involves interpretation of variants in research participants for the purpose of population health screening. Participant phenotype was not available at the time of variant classification. Additional details can be found in publication PMID: 35346344, PMCID: PMC8962531

GeneDx
Classification: Uncertain significance. Last evaluated: 2023-06-15. Review status: criteria provided, single submitter. Criteria: GeneDx Variant Classification Process June 2021. Collection method: clinical testing. Allele origin: germline. Affected: yes.
Comment: Has not been previously published as pathogenic or benign to our knowledge; Not observed at significant frequency in large population cohorts (gnomAD); In silico analysis supports that this missense variant has a deleterious effect on protein structure/function

NM_004415.4(DSP):c.7179G>T (p.Lys2393Asn)

Gene: DSP (desmoplakin; plus strand). Cytogenetic location: 6p24.3.
Variant type: single nucleotide variant.
Coding change: c.7179G>T on transcript NM_004415.4 (MANE Select); coding-DNA position 7179, G replaced by T.
Protein change: p.Lys2393Asn; replaces lysine 2393 with asparagine.
Molecular consequence: missense variant.
Genome position (GRCh38, 1-based): chr6:7,584,441, G>T. VCF-style: chr6-7584441-G-T. GRCh37 (hg19) VCF-style: chr6-7584674-G-T.
Other names: c.5382G>T, p.Lys1794Asn (NM_001008844.3); c.5850G>T, p.Lys1950Asn (NM_001319034.2); short protein forms K1794N, K1950N, K2393N.
Identifiers: ClinVar variation 919935 (VCV000919935.15), dbSNP rs1759561425, ClinGen allele CA362692410.